The following is an entry in ClinVar:

NM_005236.3(ERCC4):c.2744A>G (p.Lys915Arg)

Gene: ERCC4 (ERCC excision repair 4, endonuclease catalytic subunit; plus strand). Cytogenetic location: 16p13.12.
Variant type: single nucleotide variant.
Coding change: c.2744A>G on transcript NM_005236.3 (MANE Select); coding-DNA position 2744, A replaced by G.
Protein change: p.Lys915Arg; replaces lysine 915 with arginine.
Molecular consequence: missense variant.
Genome position (GRCh38, 1-based): chr16:13,948,340, A>G. VCF-style: chr16-13948340-A-G. GRCh37 (hg19) VCF-style: chr16-14042197-A-G.
Other names: short protein forms K915R.
Identifiers: ClinVar variation 1337553 (VCV001337553.5), dbSNP rs1184352382, ClinGen allele CA394825343.

ClinVar aggregate classification (germline): Conflicting classifications of pathogenicity. Review status: criteria provided, conflicting classifications (1 of 4 stars). 2 submissions from 2 submitters: Uncertain significance (1); Likely benign (1). Last evaluated 2025-01-01.

Conditions:
Inborn genetic diseases. Identifiers: MedGen C0950123, MeSH D030342.

Allele frequency attached by ClinVar (database versions not stated): TOPMed below 0.00001; gnomAD exomes 0.00001 and 0.00002.

Submissions (2):

Ambry Genetics
Classification: Likely benign for Inborn genetic diseases. Last evaluated: 2025-01-01. Review status: criteria provided, single submitter. Criteria: Ambry Variant Classification Scheme 2023. Collection method: clinical testing. Allele origin: germline.

Genetic Services Laboratory, University of Chicago
Classification: Uncertain significance. Last evaluated: 2020-02-27. Review status: criteria provided, single submitter. Criteria: ACMG Guidelines, 2015. Collection method: clinical testing. Allele origin: germline. Affected: no.
Comment: DNA sequence analysis of the ERCC4 gene demonstrated a sequence change, c.2744A>G, in exon 11 that results in an amino acid change, p.Lys915Arg. This sequence change does not appear to have been previously described in patients with ERCC4-related disorders and has been described in the gnomAD database in three individuals (dbSNP rs1184352382). The p.Lys915Arg change affects a moderately conserved amino acid residue located in a domain of the ERCC4 protein that is known to be functional. The p.Lys915Arg substitution appears to be benign using several in-silico pathogenicity prediction tools (SIFT, PolyPhen2, Align GVGD, REVEL). Due to the lack of functional studies, the clinical significance of the p.Lys915Arg change remains unknown at this time.